The following is an entry in ClinVar:

ClinVar aggregate classification (germline): Likely benign. Review status: criteria provided, multiple submitters, no conflicts (2 of 4 stars). 3 submissions from 3 submitters: Likely benign (2). 1 of the submissions does not count toward it. Last evaluated 2025-09-15.

Conditions:
PCNT-related disorder. Also called: PCNT-related condition.

Allele frequency attached by ClinVar (database versions not stated): gnomAD exomes 0.00001; TOPMed 0.00001; ExAC 0.00005.
gnomAD v4.1: 29 of 1,602,922 alleles (0.0018%); highest among the groups gnomAD compares: African/African-American, 0.008%; no homozygotes.

Submissions (3):

Labcorp Genetics (formerly Invitae), Labcorp
Classification: Likely benign. Last evaluated: 2025-09-15. Review status: criteria provided, single submitter. Criteria: Invitae Variant Classification Sherloc (09022015). Collection method: clinical testing. Allele origin: germline.

CeGaT Center for Human Genetics Tuebingen
Classification: Likely benign. Last evaluated: 2020-11-01. Review status: criteria provided, single submitter. Criteria: CeGaT Center For Human Genetics Tuebingen Variant Classification Criteria Version 2. Collection method: clinical testing. Allele origin: germline. Affected: yes. Observed: 1 variant allele.

PreventionGenetics, part of Exact Sciences
Classification: Likely benign for PCNT-related condition. Last evaluated: 2020-02-04. Review status: no assertion criteria provided. Collection method: clinical testing. Allele origin: germline. Not counted in ClinVar's aggregate classification.
Comment: This variant is classified as likely benign based on ACMG/AMP sequence variant interpretation guidelines (Richards et al. 2015 PMID: 25741868, with internal and published modifications).

NM_006031.6(PCNT):c.5709C>T (p.Arg1903=)

Gene: PCNT (pericentrin; plus strand). Cytogenetic location: 21q22.3.
Variant type: single nucleotide variant.
Coding change: c.5709C>T on transcript NM_006031.6 (MANE Select); coding-DNA position 5709, C replaced by T.
Protein change: p.Arg1903=; no amino-acid change (arginine 1903 retained).
Molecular consequence: synonymous variant.
Genome position (GRCh38, 1-based): chr21:46,411,782, C>T. VCF-style: chr21-46411782-C-T. GRCh37 (hg19) VCF-style: chr21-47831696-C-T.
Other names: c.5355C>T, p.Arg1785= (NM_001315529.2); c.5709C>T (NM_006031.5).
Identifiers: ClinVar variation 1013199 (VCV001013199.42), dbSNP rs774766182, ClinGen allele CA10080071.
Genomic context (GRCh38, chr21:46,411,782, plus strand): 5'-GAAGGCGGCCCACTCTGCCGAGCTGGAGGCCGTCCTGTTGGCCTTGGCCCGCATCCGCCG[C>T]GCCCTGGAGCAGCAGCCCCTGGCAGCCGGGGCGGCGCCTCCCGAGCTGCAGTGGCTCCGA-3'
Protein context (NP_006022.3, residues 1893-1913): AVLLALARIR[Arg1903=]ALEQQPLAAG